The following is an entry in ClinVar:

ClinVar aggregate classification (germline): Likely pathogenic (1 of 4 stars; one submission).

Conditions:
Glutaric aciduria, type 1. Also called: Glutaric Acidemia Type 1; GA I; Glutaric acidemia type I; Glutaricaciduria, type I; Glutaricacidemia Type 1; Glutaryl-CoA dehydrogenase deficiency. Identifiers: Orphanet 25, MedGen C0268595, MONDO:0009281, OMIM 231670.

Submission:

Myriad Genetics, Inc.
Classification: Likely pathogenic for Glutaric aciduria, type 1. Last evaluated: 2022-02-27. Review status: criteria provided, single submitter. Criteria: Myriad Women's Health Autosomal Recessive and X-Linked Classification Criteria (2021). Collection method: clinical testing. Allele origin: unknown.
Comment: NM_000159.2(GCDH):c.870_871delGA(N291Qfs*51) is expected to be pathogenic in the context of glutaric acidemia, GCDH-related. This variant is predicted to lead to an abnormal or absent protein product due to the creation of a premature termination codon in GCDH, a gene where loss-of-function variants are known to be pathogenic. Please note: this variant was assessed in the context of healthy population screening.

NM_000159.4(GCDH):c.870_871del (p.Asn291fs)

Gene: GCDH (glutaryl-CoA dehydrogenase; plus strand). Cytogenetic location: 19p13.13.
Variant type: Deletion.
Coding change: c.870_871del on transcript NM_000159.4 (MANE Select); coding-DNA positions 870 to 871, 2 bases deleted (GA; older notation c.870_871delGA).
Protein change: p.Asn291fs; shifts the reading frame from asparagine 291.
Molecular consequence: frameshift variant. On other transcripts: non-coding transcript variant (2).
Genome position (GRCh38, 1-based): chr19:12,896,927-12,896,928, GA deleted. VCF-style (leftmost placement, unchanged base first): chr19-12896926-TGA-T. GRCh37 (hg19) VCF-style: chr19-13007740-TGA-T.
Other names: c.870_871del, p.Asn291fs (NM_013976.5); short protein forms N291fs.
Identifiers: ClinVar variation 1724788 (VCV001724788.2), dbSNP rs2512574850, ClinGen allele CA2580096535.